The following is an entry in ClinVar:

ClinVar aggregate classification (germline): Pathogenic (1 of 4 stars; one submission).

Conditions:
Hereditary cancer-predisposing syndrome. Also called: Neoplastic Syndromes, Hereditary; Tumor predisposition; Hereditary Cancer Syndrome; Hereditary neoplastic syndrome. Identifiers: Orphanet 140162, MedGen C0027672, MeSH D009386, MONDO:0015356.

Submission:

Color Diagnostics, LLC DBA Color Health
Classification: Pathogenic for Hereditary cancer-predisposing syndrome. Last evaluated: 2020-05-21. Review status: criteria provided, single submitter. Criteria: ACMG Guidelines, 2015. Collection method: clinical testing. Allele origin: germline.
Comment: This variant deletes 1 nucleotide in exon 10 of the BRCA2 gene, creating a frameshift and premature translation stop signal. This variant is expected to result in an absent or non-functional protein product. To our knowledge, this variant has not been reported in individuals affected with hereditary cancer in the literature. This variant has not been identified in the general population by the Genome Aggregation Database (gnomAD). Loss of BRCA2 function is a known mechanism of disease. Based on the available evidence, this variant is classified as Pathogenic.

NM_000059.4(BRCA2):c.1066del (p.Ser356fs)

Gene: BRCA2 (BRCA2 DNA repair associated; plus strand). Cytogenetic location: 13q13.1.
Variant type: Deletion.
Coding change: c.1066del on transcript NM_000059.4 (MANE Select); coding-DNA position 1066, one base deleted (T; older notation c.1066delT).
Protein change: p.Ser356fs; shifts the reading frame from serine 356.
Molecular consequence: frameshift variant.
Genome position (GRCh38, 1-based): chr13:32,332,544, T deleted. VCF-style (leftmost placement, unchanged base first): chr13-32332543-AT-A. GRCh37 (hg19) VCF-style: chr13-32906680-AT-A.
Other names: short protein forms S356fs.
Identifiers: ClinVar variation 918316 (VCV000918316.3), dbSNP rs2072403721, ClinGen allele CA913188514.